The following is an entry in ClinVar:

ClinVar aggregate classification (germline): Uncertain significance (1 of 4 stars; one submission).

Conditions:
Baller-Gerold syndrome (BGS). Also called: CRANIOSYNOSTOSIS WITH RADIAL DEFECTS. Identifiers: Orphanet 1225, MedGen C0265308, MONDO:0009039, OMIM 218600.

Submission:

Labcorp Genetics (formerly Invitae), Labcorp
Classification: Uncertain significance for Baller-Gerold syndrome. Last evaluated: 2025-03-29. Review status: criteria provided, single submitter. Criteria: Invitae Variant Classification Sherloc (09022015). Collection method: clinical testing. Allele origin: germline.
Comment: This sequence change replaces threonine, which is neutral and polar, with proline, which is neutral and non-polar, at codon 645 of the RECQL4 protein (p.Thr645Pro). This variant is present in population databases (no rsID available, gnomAD 0.007%). This variant has not been reported in the literature in individuals affected with RECQL4-related conditions. Invitae Evidence Modeling of protein sequence and biophysical properties (such as structural, functional, and spatial information, amino acid conservation, physicochemical variation, residue mobility, and thermodynamic stability) indicates that this missense variant is not expected to disrupt RECQL4 protein function with a negative predictive value of 80%. In summary, the available evidence is currently insufficient to determine the role of this variant in disease. Therefore, it has been classified as a Variant of Uncertain Significance.

NM_004260.4(RECQL4):c.1933A>C (p.Thr645Pro)

Gene: RECQL4 (RecQ like helicase 4; minus strand). Cytogenetic location: 8q24.3.
Variant type: single nucleotide variant.
Coding change: c.1933A>C on transcript NM_004260.4 (MANE Select); coding-DNA position 1933, A replaced by C.
Protein change: p.Thr645Pro; replaces threonine 645 with proline.
Molecular consequence: missense variant. On other transcripts: non-coding transcript variant (3).
Genome position (GRCh38, 1-based): chr8:144,514,053, T>G on the plus strand (A>C on the coding strand, the complement: RECQL4 is on the minus strand). VCF-style: chr8-144514053-T-G. GRCh37 (hg19) VCF-style: chr8-145739437-T-G.
Other names: c.1837A>C, p.Thr613Pro (NM_001413017.1, NM_001413020.1); c.1933A>C, p.Thr645Pro (NM_001413018.1, NM_001413019.1, NM_001413036.1); c.862A>C, p.Thr288Pro (NM_001413021.1, NM_001413022.1, NM_001413023.1 and 6 more transcripts); c.1804A>C, p.Thr602Pro (NM_001413025.1); c.730A>C, p.Thr244Pro (NM_001413037.1); c.1903A>C, p.Thr635Pro (NM_001413039.1); c.796A>C, p.Thr266Pro (NM_001413041.1, NM_001413027.1, NM_001413030.1 and 1 more transcripts); c.832A>C, p.Thr278Pro (NM_001413042.1); and 4 more; short protein forms T222P, T288P, T602P, T156P, T244P, T278P, T601P, T635P.
Identifiers: ClinVar variation 3646538 (VCV003646538.2).